The following is an entry in ClinVar:

NM_012242.4(DKK1):c.316G>A (p.Ala106Thr)

Gene: DKK1 (dickkopf Wnt signaling pathway inhibitor 1; plus strand). Cytogenetic location: 10q21.1.
Variant type: single nucleotide variant.
Coding change: c.316G>A on transcript NM_012242.4 (MANE Select); coding-DNA position 316, G replaced by A.
Protein change: p.Ala106Thr; replaces alanine 106 with threonine.
Molecular consequence: missense variant.
Genome position (GRCh38, 1-based): chr10:52,314,995, G>A. VCF-style: chr10-52314995-G-A. GRCh37 (hg19) VCF-style: chr10-54074755-G-A.
Other names: short protein forms A106T.
Identifiers: ClinVar variation 2640477 (VCV002640477.24), dbSNP rs141115379, ClinGen allele CA5504131.

ClinVar aggregate classification (germline): Likely benign (1 of 4 stars; one submission).

Allele frequency attached by ClinVar (database versions not stated): 1000 Genomes Project 30x 0.00031; 1000 Genomes Project 0.00040; ESP Exome Variant Server 0.00054; TOPMed 0.00094; gnomAD 0.00204; ExAC 0.00242.

Submission:

CeGaT Center for Human Genetics Tuebingen
Classification: Likely benign. Last evaluated: 2022-07-01. Review status: criteria provided, single submitter. Criteria: CeGaT Center For Human Genetics Tuebingen Variant Classification Criteria Version 2. Collection method: clinical testing. Allele origin: germline. Affected: yes. Observed: 1 variant allele.
Comment: DKK1: BP4, BS2